The following is an entry in ClinVar:

NM_003072.5(SMARCA4):c.4789A>T (p.Ile1597Phe)

Gene: SMARCA4 (SWI/SNF related BAF chromatin remodeling complex subunit ATPase 4; plus strand). Cytogenetic location: 19p13.2.
Variant type: single nucleotide variant.
Coding change: c.4789A>T on transcript NM_003072.5 (MANE Select); coding-DNA position 4789, A replaced by T.
Protein change: p.Ile1597Phe; replaces isoleucine 1597 with phenylalanine.
Molecular consequence: missense variant. On other transcripts: non-coding transcript variant (1).
Genome position (GRCh38, 1-based): chr19:11,060,065, A>T. VCF-style: chr19-11060065-A-T. GRCh37 (hg19) VCF-style: chr19-11170741-A-T.
Other names: c.4789A>T, p.Ile1597Phe (NM_001128844.3); c.4699A>T, p.Ile1567Phe (NM_001128845.2); c.4696A>T, p.Ile1566Phe (NM_001128846.2); c.4690A>T, p.Ile1564Phe (NM_001128847.4, NM_001374457.1); c.4687A>T, p.Ile1563Phe (NM_001128848.2); c.4885A>T, p.Ile1629Phe (NM_001128849.3, NM_001387283.1); c.4786A>T, p.Ile1596Phe (NM_001411150.1); short protein forms I1563F, I1566F, I1596F, I1567F, I1629F, I1597F, I1564F.
Identifiers: ClinVar variation 3636891 (VCV003636891.2).

ClinVar aggregate classification (germline): Uncertain significance (1 of 4 stars; one submission).

Conditions:
Rhabdoid tumor predisposition syndrome 2 (RTPS2). Identifiers: Orphanet 231108, Orphanet 69077, MedGen C2750074, MONDO:0013224, OMIM 613325.

gnomAD v4.1: 1 of 1,557,812 alleles (0.000064%); highest among the groups gnomAD compares: Non-Finnish European, 0.000087%; no homozygotes.

Submission:

Labcorp Genetics (formerly Invitae), Labcorp
Classification: Uncertain significance for Rhabdoid tumor predisposition syndrome 2. Last evaluated: 2024-09-19. Review status: criteria provided, single submitter. Criteria: Invitae Variant Classification Sherloc (09022015). Collection method: clinical testing. Allele origin: germline.
Comment: This sequence change replaces isoleucine, which is neutral and non-polar, with phenylalanine, which is neutral and non-polar, at codon 1629 of the SMARCA4 protein (p.Ile1629Phe). This variant is not present in population databases (gnomAD no frequency). This variant has not been reported in the literature in individuals affected with SMARCA4-related conditions. Invitae Evidence Modeling of protein sequence and biophysical properties (such as structural, functional, and spatial information, amino acid conservation, physicochemical variation, residue mobility, and thermodynamic stability) indicates that this missense variant is expected to disrupt SMARCA4 protein function with a positive predictive value of 95%. In summary, the available evidence is currently insufficient to determine the role of this variant in disease. Therefore, it has been classified as a Variant of Uncertain Significance.